The following is an entry in ClinVar:

NM_000419.5(ITGA2B):c.1317C>A (p.Asp439Glu)

Gene: ITGA2B (integrin subunit alpha 2b; minus strand). Cytogenetic location: 17q21.31.
Variant type: single nucleotide variant.
Coding change: c.1317C>A on transcript NM_000419.5 (MANE Select); coding-DNA position 1317, C replaced by A.
Protein change: p.Asp439Glu; replaces aspartic acid 439 with glutamic acid.
Molecular consequence: missense variant.
Genome position (GRCh38, 1-based): chr17:44,380,955, G>T on the plus strand (C>A on the coding strand, the complement: ITGA2B is on the minus strand). VCF-style: chr17-44380955-G-T. GRCh37 (hg19) VCF-style: chr17-42458323-G-T.
Other names: short protein forms D439E.
Identifiers: ClinVar variation 2761984 (VCV002761984.3), dbSNP rs2510080491, ClinGen allele CA399803614.

ClinVar aggregate classification (germline): Uncertain significance (1 of 4 stars; one submission).

Conditions:
Glanzmann thrombasthenia. Also called: BLEEDING DISORDER, PLATELET-TYPE, 2; THROMBASTHENIA OF GLANZMANN AND NAEGELI; PLATELET GLYCOPROTEIN IIb-IIIa DEFICIENCY; Thrombasthenia; Glanzmann's thrombasthenia. Identifiers: Orphanet 849, MedGen C0040015, MONDO:0100326.

Submission:

Labcorp Genetics (formerly Invitae), Labcorp
Classification: Uncertain significance for Glanzmann thrombasthenia. Last evaluated: 2025-03-10. Review status: criteria provided, single submitter. Criteria: Invitae Variant Classification Sherloc (09022015). Collection method: clinical testing. Allele origin: germline.
Comment: This sequence change replaces aspartic acid, which is acidic and polar, with glutamic acid, which is acidic and polar, at codon 439 of the ITGA2B protein (p.Asp439Glu). This variant is not present in population databases (gnomAD no frequency). This variant has not been reported in the literature in individuals affected with ITGA2B-related conditions. ClinVar contains an entry for this variant (Variation ID: 2761984). An algorithm developed to predict the effect of missense changes on protein structure and function outputs the following: PolyPhen-2: "Benign". The glutamic acid amino acid residue is found in multiple mammalian species, which suggests that this missense change does not adversely affect protein function. In summary, the available evidence is currently insufficient to determine the role of this variant in disease. Therefore, it has been classified as a Variant of Uncertain Significance.